The following is an entry in ClinVar:

ClinVar aggregate classification (germline): Uncertain significance (1 of 4 stars; one submission).

Conditions:
Long QT syndrome (LQTS). Identifiers: MedGen C0023976, MeSH D008133, MONDO:0002442. Disease mechanism: loss of function. Inheritance: Various modes of inheritance.

Submission:

Labcorp Genetics (formerly Invitae), Labcorp
Classification: Uncertain significance for Long QT syndrome. Last evaluated: 2023-11-02. Review status: criteria provided, single submitter. Criteria: Invitae Variant Classification Sherloc (09022015). Collection method: clinical testing. Allele origin: germline.
Comment: This sequence change replaces glutamine, which is neutral and polar, with glutamic acid, which is acidic and polar, at codon 428 of the CACNA1C protein (p.Gln428Glu). This variant is not present in population databases (gnomAD no frequency). This missense change has been observed in individual(s) with Brugada syndrome (PMID: 33488405). Advanced modeling of protein sequence and biophysical properties (such as structural, functional, and spatial information, amino acid conservation, physicochemical variation, residue mobility, and thermodynamic stability) has been performed at Invitae for this missense variant, however the output from this modeling did not meet the statistical confidence thresholds required to predict the impact of this variant on CACNA1C protein function. Experimental studies have shown that this missense change affects CACNA1C function (PMID: 33488405). In summary, the available evidence is currently insufficient to determine the role of this variant in disease. Therefore, it has been classified as a Variant of Uncertain Significance.

Literature cited by the submitters: PubMed 33488405.

NM_000719.7(CACNA1C):c.1282C>G (p.Gln428Glu)

Gene: CACNA1C (calcium voltage-gated channel subunit alpha1 C; plus strand). Cytogenetic location: 12p13.33.
Variant type: single nucleotide variant.
Coding change: c.1282C>G on transcript NM_000719.7 (MANE Select); coding-DNA position 1282, C replaced by G.
Protein change: p.Gln428Glu; replaces glutamine 428 with glutamic acid.
Molecular consequence: missense variant.
Genome position (GRCh38, 1-based): chr12:2,512,876, C>G. VCF-style: chr12-2512876-C-G. GRCh37 (hg19) VCF-style: chr12-2622042-C-G.
Other names: c.1282C>G, p.Gln428Glu (NM_001129827.2, NM_001129829.2, NM_001129830.3 and 18 more transcripts); c.1273C>G, p.Gln425Glu (NM_001129844.2); short protein forms Q428E, Q425E.
Identifiers: ClinVar variation 2780241 (VCV002780241.3), dbSNP rs2507178937, ClinGen allele CA383367034.